The following is an entry in ClinVar:

NM_052939.4(FCRL3):c.2162A>G (p.Asn721Ser)

Gene: FCRL3 (Fc receptor like 3; minus strand). Cytogenetic location: 1q23.1.
Variant type: single nucleotide variant.
Coding change: c.2162A>G on transcript NM_052939.4 (MANE Select); coding-DNA position 2162, A replaced by G.
Protein change: p.Asn721Ser; replaces asparagine 721 with serine.
Molecular consequence: missense variant. On other transcripts: non-coding transcript variant (4).
Genome position (GRCh38, 1-based): chr1:157,678,753, T>C on the plus strand (A>G on the coding strand, the complement: FCRL3 is on the minus strand). VCF-style: chr1-157678753-T-C. GRCh37 (hg19) VCF-style: chr1-157648543-T-C.
Other names: c.2162A>G, p.Asn721Ser (NM_001320333.2); short protein forms N721S.
Identifiers: ClinVar variation 1291670 (VCV001291670.3), dbSNP rs2282284, ClinGen allele CA1175051.

ClinVar aggregate classification (germline): Benign. Review status: criteria provided, multiple submitters, no conflicts (2 of 4 stars). 2 submissions from 2 submitters: Benign (2). Last evaluated 2021-02-24.

Allele frequency attached by ClinVar (database versions not stated): TOPMed 0.05172; gnomAD 0.05335 and 0.05391; gnomAD exomes 0.05439 and 0.05451; ESP Exome Variant Server 0.05490; ExAC 0.05616; 1000 Genomes Project 0.05731; 1000 Genomes Project 30x 0.05778.
gnomAD v4.1: 87,562 of 1,613,992 alleles (5.4%); highest among the groups gnomAD compares: South Asian, 7.6%; 2,539 homozygotes.

Submissions (2):

GeneDx
Classification: Benign. Last evaluated: 2021-02-24. Review status: criteria provided, single submitter. Criteria: GeneDx Variant Classification Process June 2021. Collection method: clinical testing. Allele origin: germline. Affected: yes.
Comment: This variant is associated with the following publications: (PMID: 25862376, 26402798)

Breakthrough Genomics
Classification: Benign. Review status: criteria provided, single submitter. Criteria: ACMG Guidelines, 2015. Collection method: not provided. Allele origin: germline. Inheritance: Unknown mechanism. Affected: yes.